The following is an entry in ClinVar:

NM_004380.3(CREBBP):c.4191T>C (p.Phe1397=)

Gene: CREBBP (CREB binding lysine acetyltransferase; minus strand). Cytogenetic location: 16p13.3.
Variant type: single nucleotide variant.
Coding change: c.4191T>C on transcript NM_004380.3 (MANE Select); coding-DNA position 4191, T replaced by C.
Protein change: p.Phe1397=; no amino-acid change (phenylalanine 1397 retained).
Molecular consequence: synonymous variant.
Genome position (GRCh38, 1-based): chr16:3,739,667, A>G on the plus strand (T>C on the coding strand, the complement: CREBBP is on the minus strand). VCF-style: chr16-3739667-A-G. GRCh37 (hg19) VCF-style: chr16-3789668-A-G.
Other names: c.4077T>C, p.Phe1359= (NM_001079846.1).
Identifiers: ClinVar variation 3348379 (VCV003348379.1).

ClinVar aggregate classification (germline): Likely benign (0 of 4 stars; one submission).

Conditions:
CREBBP-related disorder. Also called: CREBBP-related condition; CREBBP-related disorders.

Submission:

PreventionGenetics, part of Exact Sciences
Classification: Likely benign for CREBBP-related condition. Last evaluated: 2023-10-24. Review status: no assertion criteria provided. Collection method: clinical testing. Allele origin: germline.
Comment: This variant is classified as likely benign based on ACMG/AMP sequence variant interpretation guidelines (Richards et al. 2015 PMID: 25741868, with internal and published modifications).